The following is an entry in ClinVar:

NM_024809.5(TCTN2):c.810C>A (p.Asp270Glu)

Gene: TCTN2 (tectonic family member 2; plus strand). Cytogenetic location: 12q24.31.
Variant type: single nucleotide variant.
Coding change: c.810C>A on transcript NM_024809.5 (MANE Select); coding-DNA position 810, C replaced by A.
Protein change: p.Asp270Glu; replaces aspartic acid 270 with glutamic acid.
Molecular consequence: missense variant.
Genome position (GRCh38, 1-based): chr12:123,688,096, C>A. VCF-style: chr12-123688096-C-A. GRCh37 (hg19) VCF-style: chr12-124172643-C-A.
Other names: c.807C>A, p.Asp269Glu (NM_001143850.3); short protein forms D270E, D269E.
Identifiers: ClinVar variation 376853 (VCV000376853.3), dbSNP rs144567556, ClinGen allele CA16603186.

ClinVar aggregate classification (germline): Uncertain significance (1 of 4 stars; one submission).

Allele frequency attached by ClinVar (database versions not stated): TOPMed 0.00002.
gnomAD v4.1: 8 of 1,613,880 alleles (0.0005%); highest among the groups gnomAD compares: Non-Finnish European, 0.00068%; no homozygotes.

Submission:

Center for Pediatric Genomic Medicine, Children's Mercy Hospital and Clinics
Classification: Uncertain significance. Last evaluated: 2017-01-16. Review status: criteria provided, single submitter. Criteria: ACMG Guidelines, 2015. Collection method: clinical testing. Allele origin: germline.
ClinVar note: Converted during submission from Uncertain Significance to Uncertain significance.